The following is an entry in ClinVar:

ClinVar aggregate classification (germline): Uncertain significance (1 of 4 stars; one submission).

Conditions:
Familial cancer of breast. Also called: hereditary breast carcinoma; Hereditary breast cancer; BREAST CANCER, FAMILIAL. Identifiers: Orphanet 227535, MedGen C0346153, MONDO:0016419, OMIM 114480. Disease mechanism: loss of function.

Submission:

MGZ Medical Genetics Center
Classification: Uncertain significance for Familial cancer of breast. Last evaluated: 2022-01-24. Review status: criteria provided, single submitter. Criteria: ACMG Guidelines, 2015. Collection method: clinical testing. Allele origin: germline. Affected: yes. Observed: 1 variant allele.
Comment: ACMG criteria applied: PM2_SUP

NM_000051.4(ATM):c.2235A>T (p.Leu745Phe)

Gene: ATM (ATM serine/threonine kinase; plus strand). Cytogenetic location: 11q22.3.
Variant type: single nucleotide variant.
Coding change: c.2235A>T on transcript NM_000051.4 (MANE Select); coding-DNA position 2235, A replaced by T.
Protein change: p.Leu745Phe; replaces leucine 745 with phenylalanine.
Molecular consequence: missense variant.
Genome position (GRCh38, 1-based): chr11:108,256,325, A>T. VCF-style: chr11-108256325-A-T. GRCh37 (hg19) VCF-style: chr11-108127052-A-T.
Other names: c.2235A>T, p.Leu745Phe (NM_001351834.2); short protein forms L745F.
Identifiers: ClinVar variation 1709164 (VCV001709164.2), dbSNP rs2497360787, ClinGen allele CA382539205.